The following is an entry in ClinVar:

NM_020975.6(RET):c.1655C>T (p.Thr552Ile)

Gene: RET (ret proto-oncogene; plus strand). Cytogenetic location: 10q11.21.
Variant type: single nucleotide variant.
Coding change: c.1655C>T on transcript NM_020975.6 (MANE Select); coding-DNA position 1655, C replaced by T.
Protein change: p.Thr552Ile; replaces threonine 552 with isoleucine.
Molecular consequence: missense variant.
Genome position (GRCh38, 1-based): chr10:43,112,859, C>T. VCF-style: chr10-43112859-C-T. GRCh37 (hg19) VCF-style: chr10-43608307-C-T.
Other names: c.1655C>T, p.Thr552Ile (NM_000323.2, NM_001406743.1, NM_001406744.1 and 6 more transcripts); c.893C>T, p.Thr298Ile (NM_001355216.2); c.1526C>T, p.Thr509Ile (NM_001406761.1, NM_001406762.1, NM_001406764.1 and 1 more transcripts); c.929C>T, p.Thr310Ile (NM_001406775.1, NM_001406776.1, NM_001406777.1 and 1 more transcripts); c.758C>T, p.Thr253Ile (NM_001406779.1, NM_001406780.1, NM_001406781.1 and 3 more transcripts); c.629C>T, p.Thr210Ile (NM_001406783.1, NM_001406786.1); c.665C>T, p.Thr222Ile (NM_001406784.1); c.470C>T, p.Thr157Ile (NM_001406788.1, NM_001406789.1, NM_001406790.1 and 1 more transcripts); and 5 more; short protein forms T552I, T298I, T253I, T377I, T456I, T406I, T157I, T222I.
Identifiers: ClinVar variation 1371199 (VCV001371199.8), dbSNP rs2132813020, ClinGen allele CA376551761.

ClinVar aggregate classification (germline): Uncertain significance. Review status: criteria provided, multiple submitters, no conflicts (2 of 4 stars). 2 submissions from 2 submitters: Uncertain significance (2). Last evaluated 2026-07-07.

Conditions:
Hereditary cancer-predisposing syndrome. Also called: Hereditary Cancer Syndrome; Neoplastic Syndromes, Hereditary; Hereditary neoplastic syndrome; Tumor predisposition. Identifiers: Orphanet 140162, MedGen C0027672, MeSH D009386, MONDO:0015356.
Multiple endocrine neoplasia, type 2 (MEN2). Identifiers: Orphanet 653, MedGen C4048306, MONDO:0019003. Disease mechanism: gain of function.

Submissions (2):

Ambry Genetics
Classification: Uncertain significance for Hereditary cancer-predisposing syndrome. Last evaluated: 2026-07-07. Review status: criteria provided, single submitter. Criteria: Ambry Variant Classification Scheme 2023. Collection method: clinical testing. Allele origin: germline.
Comment: The p.T552I variant (also known as c.1655C>T), located in coding exon 9 of the RET gene, results from a C to T substitution at nucleotide position 1655. The threonine at codon 552 is replaced by isoleucine, an amino acid with similar properties. This amino acid position is conserved. In addition, the in silico prediction for this alteration is inconclusive. Based on the available evidence, the clinical significance of this variant remains unclear.

Labcorp Genetics (formerly Invitae), Labcorp
Classification: Uncertain significance for Multiple endocrine neoplasia, type 2. Last evaluated: 2021-07-31. Review status: criteria provided, single submitter. Criteria: Invitae Variant Classification Sherloc (09022015). Collection method: clinical testing. Allele origin: germline.
Comment: This sequence change replaces threonine with isoleucine at codon 552 of the RET protein (p.Thr552Ile). The threonine residue is moderately conserved and there is a moderate physicochemical difference between threonine and isoleucine. In summary, the available evidence is currently insufficient to determine the role of this variant in disease. Therefore, it has been classified as a Variant of Uncertain Significance. Algorithms developed to predict the effect of missense changes on protein structure and function (SIFT, PolyPhen-2, Align-GVGD) all suggest that this variant is likely to be tolerated. This variant has not been reported in the literature in individuals affected with RET-related conditions. This variant is not present in population databases (ExAC no frequency).